The following is an entry in ClinVar:

NM_001904.4(CTNNB1):c.1254C>G (p.Thr418=)

Genes: CTNNB1 (catenin beta 1; plus strand), LOC126806659 (BRD4-independent group 4 enhancer GRCh37_chr3:41274918-41276117; plus strand). Cytogenetic location: 3p22.1.
Variant type: single nucleotide variant.
Coding change: c.1254C>G on transcript NM_001904.4 (MANE Select); coding-DNA position 1254, C replaced by G.
Protein change: p.Thr418=; no amino-acid change (threonine 418 retained).
Molecular consequence: synonymous variant.
Genome position (GRCh38, 1-based): chr3:41,233,597, C>G. VCF-style: chr3-41233597-C-G. GRCh37 (hg19) VCF-style: chr3-41275088-C-G.
Other names: c.1254C>G, p.Thr418= (NM_001098209.2, NM_001098210.2); c.1233C>G, p.Thr411= (NM_001330729.2).
Identifiers: ClinVar variation 3031970 (VCV003031970.2), dbSNP rs2125639052, ClinGen allele CA433345975.

ClinVar aggregate classification (germline): Likely benign (0 of 4 stars; one submission).

Conditions:
CTNNB1-related disorder. Also called: CTNNB1-related condition.

gnomAD v4.1: 1 of 1,614,148 alleles (0.000062%); highest among the groups gnomAD compares: Admixed American, 0.0017%; no homozygotes.

Submission:

PreventionGenetics, part of Exact Sciences
Classification: Likely benign for CTNNB1-related condition. Last evaluated: 2020-10-21. Review status: no assertion criteria provided. Collection method: clinical testing. Allele origin: germline.
Comment: This variant is classified as likely benign based on ACMG/AMP sequence variant interpretation guidelines (Richards et al. 2015 PMID: 25741868, with internal and published modifications).